The following is an entry in ClinVar:

ClinVar aggregate classification (germline): Conflicting classifications of pathogenicity. Review status: criteria provided, conflicting classifications (1 of 4 stars). 3 submissions from 3 submitters: Uncertain significance (1); Likely benign (1). 1 of the submissions does not count toward it. Last evaluated 2025-07-02.

Conditions:
LRP4-related disorder. Also called: LRP4-related condition.
Congenital myasthenic syndrome 17. Identifiers: Orphanet 590, MedGen C4225377, MONDO:0014578, OMIM 616304.
Sclerosteosis 2 (SOST2). Identifiers: Orphanet 3152, MedGen C3280402, MONDO:0013679, OMIM 614305.
Cenani-Lenz syndactyly syndrome. Also called: SYNDACTYLY, TYPE VII; CENANI SYNDACTYLISM. Identifiers: Orphanet 3258, MedGen C1859309, MONDO:0008931, OMIM 212780.

Allele frequency attached by ClinVar (database versions not stated): gnomAD exomes 0.00006; gnomAD 0.00027 and 0.00030; ExAC 0.00008; TOPMed 0.00029; ESP Exome Variant Server 0.00046; 1000 Genomes Project 30x 0.00016; 1000 Genomes Project 0.00020.
gnomAD v4.1: 73 of 1,613,918 alleles (0.0045%); highest among the groups gnomAD compares: African/African-American, 0.097%; no homozygotes.

Submissions (3):

Labcorp Genetics (formerly Invitae), Labcorp
Classification: Likely benign for Cenani-Lenz syndactyly syndrome; Sclerosteosis 2; Congenital myasthenic syndrome 17. Last evaluated: 2025-07-02. Review status: criteria provided, single submitter. Criteria: Invitae Variant Classification Sherloc (09022015). Collection method: clinical testing. Allele origin: germline.

Eurofins Ntd Llc (ga)
Classification: Uncertain significance. Last evaluated: 2016-02-01. Review status: criteria provided, single submitter. Criteria: EGL Classification Definitions 2015. Collection method: clinical testing. Allele origin: germline. Observed: 2 variant alleles, 2 heterozygotes.

PreventionGenetics, part of Exact Sciences
Classification: Likely benign for LRP4-related condition. Last evaluated: 2024-02-28. Review status: no assertion criteria provided. Collection method: clinical testing. Allele origin: germline. Not counted in ClinVar's aggregate classification.
Comment: This variant is classified as likely benign based on ACMG/AMP sequence variant interpretation guidelines (Richards et al. 2015 PMID: 25741868, with internal and published modifications).

NM_002334.4(LRP4):c.2815-6T>G

Gene: LRP4 (LDL receptor related protein 4; minus strand). Cytogenetic location: 11p11.2.
Variant type: single nucleotide variant.
Coding change: c.2815-6T>G on transcript NM_002334.4 (MANE Select); 6 bases into the intron before coding-DNA position 2815, T replaced by G.
Molecular consequence: intron variant.
Genome position (GRCh38, 1-based): chr11:46,879,321, A>C on the plus strand (T>G on the coding strand, the complement: LRP4 is on the minus strand). VCF-style: chr11-46879321-A-C. GRCh37 (hg19) VCF-style: chr11-46900872-A-C.
Identifiers: ClinVar variation 285913 (VCV000285913.16), dbSNP rs372210790, ClinGen allele CA5969770.
Genomic context (GRCh38, chr11:46,879,321, plus strand): 5'-GCTCTCCATAGAGGGTCAGCCCAAATGGGTGGGGGAGCTGGCTTCCAATCAGCACCTGCC[A>C]GGGCCCCAACACTGTGTCATCTTCAACAAAGTCTGACAGTACAGAGCAGTGGCAAAGAGC-3'